The following is an entry in ClinVar:

NM_000214.3(JAG1):c.2759_2766del (p.Ile920fs)

Gene: JAG1 (jagged canonical Notch ligand 1; minus strand). Cytogenetic location: 20p12.2.
Variant type: Deletion.
Coding change: c.2759_2766del on transcript NM_000214.3 (MANE Select); coding-DNA positions 2759 to 2766, 8 bases deleted (TCCTGGAC; older notation c.2759_2766delTCCTGGAC).
Protein change: p.Ile920fs; shifts the reading frame from isoleucine 920.
Molecular consequence: frameshift variant.
Genome position (GRCh38, 1-based): chr20:10,641,610-10,641,617, GTCCAGGA deleted on the plus strand (TCCTGGAC on the coding strand, the reverse complement: JAG1 is on the minus strand). VCF-style (leftmost placement, unchanged base first): chr20-10641609-CGTCCAGGA-C. GRCh37 (hg19) VCF-style: chr20-10622257-CGTCCAGGA-C.
Other names: short protein forms I920fs.
Identifiers: ClinVar variation 2693421 (VCV002693421.3), dbSNP rs2514509209, ClinGen allele CA2697547296.
Genomic context (GRCh38, chr20:10,641,609, plus strand): 5'-GCTGGAGACTGGAAGACCGACACTCGCCCACACCAGTGCAGGGGTGGACGAAGCACTGGT[CGTCCAGGA>C]TGGGGATGCAGCTCTGCCCGCTGGGGCACTCGCTGTGCCCTTTGTGGAGCAGGCAAGGTC-3'

ClinVar aggregate classification (germline): Pathogenic (1 of 4 stars; one submission).

Conditions:
Alagille syndrome due to a JAG1 point mutation. Also called: HEPATIC DUCTULAR HYPOPLASIA, SYNDROMATIC; JAG1-Related Alagille Syndrome; Alagille Syndrome 1. Identifiers: Orphanet 261619, Orphanet 52, MedGen C1956125, MONDO:0016862, OMIM 118450.

Submission:

Labcorp Genetics (formerly Invitae), Labcorp
Classification: Pathogenic for Alagille syndrome due to a JAG1 point mutation. Last evaluated: 2023-11-28. Review status: criteria provided, single submitter. Criteria: Invitae Variant Classification Sherloc (09022015). Collection method: clinical testing. Allele origin: germline.
Comment: This sequence change creates a premature translational stop signal (p.Ile920Argfs*29) in the JAG1 gene. It is expected to result in an absent or disrupted protein product. Loss-of-function variants in JAG1 are known to be pathogenic (PMID: 11180599). This variant is not present in population databases (gnomAD no frequency). This variant has not been reported in the literature in individuals affected with JAG1-related conditions. For these reasons, this variant has been classified as Pathogenic.

Literature cited by the submitters: PubMed 11180599.